The following is an entry in ClinVar:

NM_017849.4(TMEM127):c.534C>A (p.Tyr178Ter)

Gene: TMEM127 (transmembrane protein 127; minus strand). Cytogenetic location: 2q11.2.
Variant type: single nucleotide variant.
Coding change: c.534C>A on transcript NM_017849.4 (MANE Select); coding-DNA position 534, C replaced by A.
Protein change: p.Tyr178Ter; replaces tyrosine 178 with a stop codon.
Molecular consequence: nonsense.
Genome position (GRCh38, 1-based): chr2:96,253,991, G>T on the plus strand (C>A on the coding strand, the complement: TMEM127 is on the minus strand). VCF-style: chr2-96253991-G-T. GRCh37 (hg19) VCF-style: chr2-96919729-G-T.
Other names: c.534C>A, p.Tyr178Ter (NM_001193304.3); c.282C>A, p.Tyr94Ter (NM_001407282.1, NM_001407283.1); short protein forms Y178*, Y94*.
Identifiers: ClinVar variation 3587020 (VCV003587020.3).

ClinVar aggregate classification (germline): Pathogenic/Likely pathogenic. Review status: criteria provided, multiple submitters, no conflicts (2 of 4 stars). 3 submissions from 3 submitters: Pathogenic (1); Likely pathogenic (2). Last evaluated 2026-03-12.

Conditions:
Pheochromocytoma. Also called: MAX-Related Hereditary Paraganglioma-Pheochromocytoma Syndrome. Identifiers: Orphanet 29072, MedGen C0031511, MONDO:0008233, OMIM 171300, HP:0002666.
Hereditary cancer-predisposing syndrome. Also called: Hereditary neoplastic syndrome; Tumor predisposition; Hereditary Cancer Syndrome; Neoplastic Syndromes, Hereditary. Identifiers: Orphanet 140162, MedGen C0027672, MeSH D009386, MONDO:0015356.

Submissions (3):

GeneDx
Classification: Likely pathogenic. Last evaluated: 2026-03-12. Review status: criteria provided, single submitter. Criteria: GeneDx Variant Classification Process June 2021. Collection method: clinical testing. Allele origin: germline.
Comment: Nonsense variant predicted to result in protein truncation, as the last 61 amino acids are lost, and other loss-of-function variants have been reported downstream in HGMD; Not observed at significant frequency in large population cohorts (gnomAD); Has not been previously published as pathogenic or benign to our knowledge; This variant is associated with the following publications: (PMID: 21156949)

Ambry Genetics
Classification: Pathogenic for Hereditary cancer-predisposing syndrome. Last evaluated: 2025-07-10. Review status: criteria provided, single submitter. Criteria: Ambry Variant Classification Scheme 2023. Collection method: clinical testing. Allele origin: germline.
Comment: The p.Y178* pathogenic mutation (also known as c.534C>A), located in coding exon 3 of the TMEM127 gene, results from a C to A substitution at nucleotide position 534. This changes the amino acid from a tyrosine to a stop codon within coding exon 3. This alteration occurs at the 3' terminus of TMEM127 gene, is not expected to trigger nonsense-mediated mRNA decay, and impacts the last 26%AA of the protein. However, premature stop codons are typically deleterious in nature and the impacted region is critical for protein function (Ambry internal data). This variant is considered to be rare based on population cohorts in the Genome Aggregation Database (gnomAD). Based on the supporting evidence, this variant is interpreted as a disease-causing mutation.

Fulgent Genetics
Classification: Likely pathogenic for Pheochromocytoma. Last evaluated: 2024-02-28. Review status: criteria provided, single submitter. Criteria: ACMG Guidelines, 2015. Collection method: clinical testing. Allele origin: germline.